The following is an entry in ClinVar:

ClinVar aggregate classification (germline): Uncertain significance (1 of 4 stars; one submission).

Conditions:
Hereditary cancer-predisposing syndrome. Also called: Neoplastic Syndromes, Hereditary; Tumor predisposition; Hereditary neoplastic syndrome; Hereditary Cancer Syndrome. Identifiers: Orphanet 140162, MedGen C0027672, MeSH D009386, MONDO:0015356.

Submission:

Ambry Genetics
Classification: Uncertain significance for Hereditary cancer-predisposing syndrome. Last evaluated: 2024-01-21. Review status: criteria provided, single submitter. Criteria: Ambry Variant Classification Scheme 2023. Collection method: clinical testing. Allele origin: germline.
Comment: The p.C998R variant (also known as c.2992T>C), located in coding exon 18 of the PTCH1 gene, results from a T to C substitution at nucleotide position 2992. The cysteine at codon 998 is replaced by arginine, an amino acid with highly dissimilar properties. This amino acid position is conserved. In addition, this alteration is predicted to be deleterious by in silico analysis. Based on the available evidence, the clinical significance of this alteration remains unclear.

NM_000264.5(PTCH1):c.2992T>C (p.Cys998Arg)

Gene: PTCH1 (patched 1; minus strand). Cytogenetic location: 9q22.32.
Variant type: single nucleotide variant.
Coding change: c.2992T>C on transcript NM_000264.5 (MANE Select); coding-DNA position 2992, T replaced by C.
Protein change: p.Cys998Arg; replaces cysteine 998 with arginine.
Molecular consequence: missense variant. On other transcripts: non-coding transcript variant (1).
Genome position (GRCh38, 1-based): chr9:95,458,189, A>G on the plus strand (T>C on the coding strand, the complement: PTCH1 is on the minus strand). VCF-style: chr9-95458189-A-G. GRCh37 (hg19) VCF-style: chr9-98220471-A-G.
Other names: c.2794T>C, p.Cys932Arg (NM_001083602.3); c.2989T>C, p.Cys997Arg (NM_001083603.3); c.2539T>C, p.Cys847Arg (NM_001083604.3, NM_001083605.3, NM_001083606.3 and 1 more transcripts); c.2836T>C, p.Cys946Arg (NM_001354918.2); short protein forms C847R, C932R, C946R, C997R, C998R.
Identifiers: ClinVar variation 3231000 (VCV003231000.1), dbSNP rs2538068816, ClinGen allele CA374112625.